The following is an entry in ClinVar:

NC_000010.10:g.(?_126089399)_(126089563_?)del

Gene: OAT (ornithine aminotransferase; minus strand). Cytogenetic location: 10q26.13.
Variant type: Deletion.
Identifiers: ClinVar variation 2422768 (VCV002422768.4).

ClinVar aggregate classification (germline): Pathogenic (1 of 4 stars; one submission).

Conditions:
Ornithine aminotransferase deficiency (GACR). Also called: OAT DEFICIENCY; OKT DEFICIENCY; HYPERORNITHINEMIA WITH GYRATE ATROPHY OF CHOROID AND RETINA; Ornithine ketoacid aminotransferase deficiency; Gyrate atrophy; Gyrate atrophy of choroid and retina. Identifiers: Orphanet 414, MedGen C0018425, MONDO:0009796, OMIM 258870.

Submission:

Labcorp Genetics (formerly Invitae), Labcorp
Classification: Pathogenic for Ornithine aminotransferase deficiency. Last evaluated: 2022-02-25. Review status: criteria provided, single submitter. Criteria: Invitae Variant Classification Sherloc (09022015). Collection method: clinical testing. Allele origin: germline.
Comment: For these reasons, this variant has been classified as Pathogenic. This variant disrupts a region of the OAT protein in which other variant(s) (p.Arg426*) have been determined to be pathogenic (PMID: 1609808, 23076989, 24429551). This suggests that this is a clinically significant region of the protein, and that variants that disrupt it are likely to be disease-causing. This variant has not been reported in the literature in individuals affected with OAT-related conditions. This variant is a gross deletion of the genomic region encompassing exon(s) 9 of the OAT gene. While this deletion is not anticipated to lead to nonsense mediated decay, it is expected to disrupt the C-terminus of the protein.

Literature cited by the submitters: PubMed 1609808; PubMed 23076989; PubMed 24429551.